The following is an entry in ClinVar:

ClinVar aggregate classification (germline): Likely benign (1 of 4 stars; one submission).

gnomAD v4.1: 11 of 1,209,043 alleles (0.00091%); highest among the groups gnomAD compares: Admixed American, 0.0022%; no homozygotes.

Submission:

CeGaT Center for Human Genetics Tuebingen
Classification: Likely benign. Last evaluated: 2026-06-01. Review status: criteria provided, single submitter. Criteria: CeGaT Center For Human Genetics Tuebingen Variant Classification Criteria Version 2. Collection method: clinical testing. Allele origin: germline. Affected: yes. Observed: 1 variant allele.
Comment: TAF1: BP4, BP7

NM_004606.5(TAF1):c.897A>G (p.Pro299=)

Gene: TAF1 (TATA-box binding protein associated factor 1; plus strand). Cytogenetic location: Xq13.1.
Variant type: single nucleotide variant.
Coding change: c.897A>G on transcript NM_004606.5 (MANE Select); coding-DNA position 897, A replaced by G.
Protein change: p.Pro299=; no amino-acid change (proline 299 retained).
Molecular consequence: synonymous variant. On other transcripts: non-coding transcript variant (9).
Genome position (GRCh38, 1-based): chrX:71,377,785, A>G. VCF-style: chrX-71377785-A-G. GRCh37 (hg19) VCF-style: chrX-70597635-A-G.
Other names: c.897A>G, p.Pro299= (NM_001286074.2, NM_001440852.1, NM_001440853.1); c.834A>G, p.Pro278= (NM_001440854.1, NM_138923.4).
Identifiers: ClinVar variation 4874004 (VCV004874004.2).